The following is an entry in ClinVar:

NM_000038.6(APC):c.2957A>C (p.Tyr986Ser)

Gene: APC (APC regulator of Wnt signaling pathway; plus strand). Cytogenetic location: 5q22.2.
Variant type: single nucleotide variant.
Coding change: c.2957A>C on transcript NM_000038.6 (MANE Select); coding-DNA position 2957, A replaced by C.
Protein change: p.Tyr986Ser; replaces tyrosine 986 with serine.
Molecular consequence: missense variant.
Genome position (GRCh38, 1-based): chr5:112,838,551, A>C. VCF-style: chr5-112838551-A-C. GRCh37 (hg19) VCF-style: chr5-112174248-A-C.
Other names: c.2957A>C, p.Tyr986Ser (NM_001127510.3, NM_001354895.2, NM_001407450.1); c.2903A>C, p.Tyr968Ser (NM_001127511.3); c.3011A>C, p.Tyr1004Ser (NM_001354896.2, NM_001407447.1, NM_001407448.1 and 1 more transcripts); c.2987A>C, p.Tyr996Ser (NM_001354897.2); c.2882A>C, p.Tyr961Ser (NM_001354898.2); c.2873A>C, p.Tyr958Ser (NM_001354899.2); c.2834A>C, p.Tyr945Ser (NM_001354900.2); c.2780A>C, p.Tyr927Ser (NM_001354901.2, NM_001407453.1); and 11 more; short protein forms Y1004S, Y1014S, Y602S, Y703S, Y826S, Y857S, Y860S, Y885S.
Identifiers: ClinVar variation 1720561 (VCV001720561.6), dbSNP rs730881243, ClinGen allele CA16027791.
Genomic context (GRCh38, chr5:112,838,551, plus strand): 5'-GTGTCAGTAGTAGTGATGGTTATGGTAAAAGAGGTCAAATGAAACCCTCGATTGAATCCT[A>C]TTCTGAAGATGATGAAAGTAAGTTTTGCAGTTATGGTCAATACCCAGCCGACCTAGCCCA-3'
Protein context (NP_000029.2, residues 976-996): RGQMKPSIES[Tyr986Ser]SEDDESKFCS

ClinVar aggregate classification (germline): Uncertain significance (1 of 4 stars; one submission).

Conditions:
Familial adenomatous polyposis 1 (FAP1). Also called: FAMILIAL ADENOMATOUS POLYPOSIS 1, ATTENUATED; POLYPOSIS, ADENOMATOUS INTESTINAL. Identifiers: MedGen C2713442, MONDO:0021056, OMIM 175100. Disease mechanism: loss of function.

gnomAD v4.1: 5 of 1,614,240 alleles (0.00031%); highest among the groups gnomAD compares: Non-Finnish European, 0.00042%; no homozygotes.

Submission:

Labcorp Genetics (formerly Invitae), Labcorp
Classification: Uncertain significance for Familial adenomatous polyposis 1. Last evaluated: 2022-09-28. Review status: criteria provided, single submitter. Criteria: Invitae Variant Classification Sherloc (09022015). Collection method: clinical testing. Allele origin: germline.
Comment: This variant has not been reported in the literature in individuals affected with APC-related conditions. In summary, the available evidence is currently insufficient to determine the role of this variant in disease. Therefore, it has been classified as a Variant of Uncertain Significance. Advanced modeling of protein sequence and biophysical properties (such as structural, functional, and spatial information, amino acid conservation, physicochemical variation, residue mobility, and thermodynamic stability) performed at Invitae indicates that this missense variant is not expected to disrupt APC protein function. This variant is not present in population databases (gnomAD no frequency). This sequence change replaces tyrosine, which is neutral and polar, with serine, which is neutral and polar, at codon 986 of the APC protein (p.Tyr986Ser).